The following is an entry in ClinVar:

NM_198576.4(AGRN):c.4394G>A (p.Arg1465Gln)

Gene: AGRN (agrin; plus strand). Cytogenetic location: 1p36.33.
Variant type: single nucleotide variant.
Coding change: c.4394G>A on transcript NM_198576.4 (MANE Select); coding-DNA position 4394, G replaced by A.
Protein change: p.Arg1465Gln; replaces arginine 1465 with glutamine.
Molecular consequence: missense variant.
Genome position (GRCh38, 1-based): chr1:1,049,331, G>A. VCF-style: chr1-1049331-G-A. GRCh37 (hg19) VCF-style: chr1-984711-G-A.
Other names: c.4394G>A, p.Arg1465Gln (NM_001305275.2); c.4079G>A, p.Arg1360Gln (NM_001364727.2); short protein forms R1360Q, R1465Q.
Identifiers: ClinVar variation 651232 (VCV000651232.8), dbSNP rs371697818, ClinGen allele CA509446.
Genomic context (GRCh38, chr1:1,049,331, plus strand): 5'-GTGCCGTGCCGGTAGAGCCGGGCCAGTGGCACCGCCTGGAGCTGTCCCGGCACTGGCGCC[G>A]GGGCACCCTCTCGGTGGATGGTGAGACCCCTGTTCTGGGCGAGAGTCCCAGTGGCACCGA-3'
Protein context (NP_940978.2, residues 1455-1475): HRLELSRHWR[Arg1465Gln]GTLSVDGETP

ClinVar aggregate classification (germline): Uncertain significance (1 of 4 stars; one submission).

Conditions:
Congenital myasthenic syndrome 8. Also called: MYASTHENIC SYNDROME, CONGENITAL, DUE TO AGRIN DEFICIENCY; Myasthenic syndrome, congenital, 8, with pre- and postsynaptic defects. Identifiers: Orphanet 590, MedGen C3808739, MONDO:0014052, OMIM 615120.

Allele frequency attached by ClinVar (database versions not stated): gnomAD 0.00001 and 0.00002; TOPMed 0.00001; ExAC 0.00002; gnomAD exomes 0.00003; 1000 Genomes Project 0.00020; 1000 Genomes Project 30x 0.00031.
gnomAD v4.1: 51 of 1,598,018 alleles (0.0032%); highest among the groups gnomAD compares: Admixed American, 0.005%; no homozygotes.

Submission:

Labcorp Genetics (formerly Invitae), Labcorp
Classification: Uncertain significance for Congenital myasthenic syndrome 8. Last evaluated: 2022-08-05. Review status: criteria provided, single submitter. Criteria: Invitae Variant Classification Sherloc (09022015). Collection method: clinical testing. Allele origin: germline.
Comment: This sequence change replaces arginine, which is basic and polar, with glutamine, which is neutral and polar, at codon 1465 of the AGRN protein (p.Arg1465Gln). This variant is present in population databases (rs371697818, gnomAD 0.005%). This variant has not been reported in the literature in individuals affected with AGRN-related conditions. ClinVar contains an entry for this variant (Variation ID: 651232). Algorithms developed to predict the effect of missense changes on protein structure and function output the following: SIFT: "Tolerated"; PolyPhen-2: "Benign"; Align-GVGD: "Class C0". The glutamine amino acid residue is found in multiple mammalian species, which suggests that this missense change does not adversely affect protein function. Algorithms developed to predict the effect of sequence changes on RNA splicing suggest that this variant may create or strengthen a splice site. In summary, the available evidence is currently insufficient to determine the role of this variant in disease. Therefore, it has been classified as a Variant of Uncertain Significance.